The following is an entry in ClinVar:

NM_002156.5(HSPD1):c.1474G>C (p.Glu492Gln)

Gene: HSPD1 (heat shock protein family D (Hsp60) member 1; minus strand). Cytogenetic location: 2q33.1.
Variant type: single nucleotide variant.
Coding change: c.1474G>C on transcript NM_002156.5 (MANE Select); coding-DNA position 1474, G replaced by C.
Protein change: p.Glu492Gln; replaces glutamic acid 492 with glutamine.
Molecular consequence: missense variant.
Genome position (GRCh38, 1-based): chr2:197,487,953, C>G on the plus strand (G>C on the coding strand, the complement: HSPD1 is on the minus strand). VCF-style: chr2-197487953-C-G. GRCh37 (hg19) VCF-style: chr2-198352677-C-G.
Other names: c.1474G>C, p.Glu492Gln (NM_199440.2); short protein forms E492Q.
Identifiers: ClinVar variation 1357217 (VCV001357217.6), dbSNP rs1390512592, ClinGen allele CA350198404.

ClinVar aggregate classification (germline): Uncertain significance (1 of 4 stars; one submission).

Conditions:
Spastic paraplegia. Identifiers: MedGen C0037772, HP:0001258.

Submission:

Labcorp Genetics (formerly Invitae), Labcorp
Classification: Uncertain significance for Spastic paraplegia. Last evaluated: 2022-10-25. Review status: criteria provided, single submitter. Criteria: Invitae Variant Classification Sherloc (09022015). Collection method: clinical testing. Allele origin: germline.
Comment: In summary, the available evidence is currently insufficient to determine the role of this variant in disease. Therefore, it has been classified as a Variant of Uncertain Significance. Advanced modeling of protein sequence and biophysical properties (such as structural, functional, and spatial information, amino acid conservation, physicochemical variation, residue mobility, and thermodynamic stability) performed at Invitae indicates that this missense variant is not expected to disrupt HSPD1 protein function. ClinVar contains an entry for this variant (Variation ID: 1357217). This variant has not been reported in the literature in individuals affected with HSPD1-related conditions. This variant is not present in population databases (gnomAD no frequency). This sequence change replaces glutamic acid, which is acidic and polar, with glutamine, which is neutral and polar, at codon 492 of the HSPD1 protein (p.Glu492Gln).